The following is an entry in ClinVar:

NM_000133.4(F9):c.284A>C (p.Asp95Ala)

Gene: F9 (coagulation factor IX; plus strand). Cytogenetic location: Xq27.1.
Variant type: single nucleotide variant.
Coding change: c.284A>C on transcript NM_000133.4 (MANE Select); coding-DNA position 284, A replaced by C.
Protein change: p.Asp95Ala; replaces aspartic acid 95 with alanine.
Molecular consequence: missense variant. On other transcripts: intron variant (1).
Genome position (GRCh38, 1-based): chrX:139,541,082, A>C. VCF-style: chrX-139541082-A-C. GRCh37 (hg19) VCF-style: chrX-138623241-A-C.
Other names: c.277+3696A>C (NM_001313913.2); short protein forms D95A.
Identifiers: ClinVar variation 973816 (VCV000973816.2), dbSNP rs1927589695, ClinGen allele CA414437371.
Genomic context (GRCh38, chrX:139,541,082, plus strand): 5'-CCGGGCATTCTAAGCAGTTTACGTGCCAATTCAATTTCTTAACCTATCTCAAAGATGGAG[A>C]TCAGTGTGAGTCCAATCCATGTTTAAATGGCGGCAGTTGCAAGGATGACATTAATTCCTA-3'
Protein context (NP_000124.1, residues 85-105): TEFWKQYVDG[Asp95Ala]QCESNPCLNG

ClinVar aggregate classification (germline): Likely pathogenic (0 of 4 stars; one submission).

Conditions:
Hereditary factor IX deficiency disease (HEMB). Also called: PLASMA THROMBOPLASTIN COMPONENT DEFICIENCY; Hemophilia B; Christmas Disease; F9 DEFICIENCY; FACTOR IX DEFICIENCY. Identifiers: Orphanet 98879, MedGen C0008533, MeSH D002836, MONDO:0010604, OMIM 306900.

Submission:

Angelo Bianchi Bonomi Hemophilia and Thrombosis Center, Fondazione IRCCS Ca Granda Ospedale Maggiore Policlinico
Classification: Likely pathogenic for Hereditary factor IX deficiency disease. Last evaluated: 2019-06-01. Review status: no assertion criteria provided. Collection method: clinical testing. Allele origin: germline. Affected: yes. Observed: 1 variant allele.
Comment: analyzed by Polyphen and Sift